The following is an entry in ClinVar:

ClinVar aggregate classification (germline): Uncertain significance. Review status: criteria provided, multiple submitters, no conflicts (2 of 4 stars). 3 submissions from 3 submitters: Uncertain significance (2). 1 of the submissions does not count toward it. Last evaluated 2025-05-20.

Conditions:
Developmental and epileptic encephalopathy, 30 (DEE30). Also called: Epileptic encephalopathy, early infantile, 30. Identifiers: MedGen C4225360, MONDO:0014595, OMIM 616341.
Inborn genetic diseases. Identifiers: MedGen C0950123, MeSH D030342.

Submissions (3):

Ambry Genetics
Classification: Uncertain significance for Inborn genetic diseases. Last evaluated: 2025-05-20. Review status: criteria provided, single submitter. Criteria: Ambry Variant Classification Scheme 2023. Collection method: clinical testing. Allele origin: germline.

Labcorp Genetics (formerly Invitae), Labcorp
Classification: Uncertain significance for Developmental and epileptic encephalopathy, 30. Last evaluated: 2025-01-27. Review status: criteria provided, single submitter. Criteria: Invitae Variant Classification Sherloc (09022015). Collection method: clinical testing. Allele origin: germline.
Comment: This sequence change replaces arginine, which is basic and polar, with tryptophan, which is neutral and slightly polar, at codon 470 of the SIK1 protein (p.Arg470Trp). The frequency data for this variant in the population databases is considered unreliable, as metrics indicate poor data quality at this position in the gnomAD database. This variant has not been reported in the literature in individuals affected with SIK1-related conditions. ClinVar contains an entry for this variant (Variation ID: 1901511). An algorithm developed to predict the effect of missense changes on protein structure and function (PolyPhen-2) suggests that this variant is likely to be disruptive. In summary, the available evidence is currently insufficient to determine the role of this variant in disease. Therefore, it has been classified as a Variant of Uncertain Significance.

Hong-Tao Li Lab, Institute of Brain Science and Brain-inspired Research, Shandong First Medical University & Shandong Academy of Medical Sciences China
Classification: Uncertain significance for Developmental and epileptic encephalopathy, 30. Review status: no assertion criteria provided. Collection method: research. Allele origin: germline. Inheritance: Autosomal dominant inheritance. Affected: yes. Observed: 1 variant allele, 1 heterozygote. Not counted in ClinVar's aggregate classification.
Comment: Observed in affected individuals from a Pakistani neurodevelopmental-disorder research cohort of 263 individuals. Classification assigned using the ACMG/AMP framework. Population-frequency evidence: gnomAD AF 2.113e-05.

NM_173354.5(SIK1):c.1408C>T (p.Arg470Trp)

Gene: SIK1 (salt inducible kinase 1; minus strand). Cytogenetic location: 21q22.3.
Variant type: single nucleotide variant.
Coding change: c.1408C>T on transcript NM_173354.5 (MANE Select); coding-DNA position 1408, C replaced by T.
Protein change: p.Arg470Trp; replaces arginine 470 with tryptophan.
Molecular consequence: missense variant.
Genome position (GRCh38, 1-based): chr21:43,419,075, G>A on the plus strand (C>T on the coding strand, the complement: SIK1 is on the minus strand). VCF-style: chr21-43419075-G-A. GRCh37 (hg19) VCF-style: chr21-44838955-G-A.
Other names: c.1408C>T (NM_173354.3); short protein forms R470W.
Identifiers: ClinVar variation 1901511 (VCV001901511.7), dbSNP rs745682164, ClinGen allele CA321325850.